The following is an entry in ClinVar:

ClinVar aggregate classification (germline): Likely benign (1 of 4 stars; one submission).

Conditions:
PRDM12-related disorder. Also called: PRDM12-related condition.

Submission:

PreventionGenetics, part of Exact Sciences
Classification: Likely benign for PRDM12-related condition. Last evaluated: 2025-08-29. Review status: criteria provided, single submitter. Criteria: ACMG Guidelines, 2015. Collection method: clinical testing. Allele origin: germline.
Comment: This variant is classified as likely benign based on ACMG/AMP sequence variant interpretation guidelines (Richards et al. 2015 PMID: 25741868, with internal and published modifications).

NM_021619.3(PRDM12):c.683-27CCCCG[3]

Genes: PRDM12 (PR/SET domain 12; plus strand), LOC130002813 (ATAC-STARR-seq lymphoblastoid silent region 20403; plus strand). Cytogenetic location: 9q34.12.
Variant type: Microsatellite.
Coding change: c.683-27CCCCG[3] on transcript NM_021619.3 (MANE Select); three copies in a row of the 5-base unit CCCCG starting at c.683-27.
Molecular consequence: intron variant.
Genome position: GRCh38 VCF-style: chr9-130681220-CCCCCG-C. GRCh37 (hg19) VCF-style: chr9-133556607-CCCCCG-C.
Identifiers: ClinVar variation 4980715 (VCV004980715.1).